The following is an entry in ClinVar:

NM_000400.4(ERCC2):c.2221_2275del (p.Leu741fs)

Gene: ERCC2 (ERCC excision repair 2, TFIIH core complex helicase subunit; minus strand). Cytogenetic location: 19q13.32.
Variant type: Deletion.
Coding change: c.2221_2275del on transcript NM_000400.4 (MANE Select); coding-DNA positions 2221 to 2275, 55 bases deleted.
Protein change: p.Leu741fs; shifts the reading frame from leucine 741.
Molecular consequence: frameshift variant.
Genome position (GRCh38, 1-based): chr19:45,351,637-45,351,691, 55 bases deleted. GRCh37 (hg19): chr19:45,854,903-45,854,957.
Other names: c.2213_2267del55, p.Leu741Serfs (NM_000400.3); c.2221_2275del (NM_000400.3); short protein forms L741fs.
Identifiers: ClinVar variation 3392686 (VCV003392686.2).

ClinVar aggregate classification (germline): Uncertain significance. Review status: criteria provided, multiple submitters, no conflicts (2 of 4 stars). 2 submissions from 2 submitters: Uncertain significance (2). Last evaluated 2024-06-21.

Submissions (2):

GeneDx
Classification: Uncertain significance. Last evaluated: 2024-06-21. Review status: criteria provided, single submitter. Criteria: GeneDx Variant Classification Process June 2021. Collection method: clinical testing. Allele origin: germline. Affected: yes.
Comment: Frameshift variant predicted to result in abnormal protein length as the last 20 amino acids are replaced with 36 different amino acids; Not observed at significant frequency in large population cohorts (gnomAD); Has not been previously published as pathogenic or benign to our knowledge

Revvity Omics, Revvity
Classification: Uncertain significance. Last evaluated: 2024-04-12. Review status: criteria provided, single submitter. Criteria: ACMG Guidelines, 2015. Collection method: clinical testing. Allele origin: germline.